The following is an entry in ClinVar:

ClinVar aggregate classification (germline): Uncertain significance. Review status: criteria provided, multiple submitters, no conflicts (2 of 4 stars). 2 submissions from 2 submitters: Uncertain significance (2). Last evaluated 2025-06-07.

Conditions:
Spinocerebellar ataxia type 38. Identifiers: Orphanet 423296, MedGen C4518337, MONDO:0014417, OMIM 615957.

gnomAD v4.1: 38 of 1,611,816 alleles (0.0024%); highest among the groups gnomAD compares: South Asian, 0.016%; no homozygotes.

Submissions (2):

Labcorp Genetics (formerly Invitae), Labcorp
Classification: Uncertain significance. Last evaluated: 2025-06-07. Review status: criteria provided, single submitter. Criteria: Invitae Variant Classification Sherloc (09022015). Collection method: clinical testing. Allele origin: germline.
Comment: This sequence change replaces alanine, which is neutral and non-polar, with threonine, which is neutral and polar, at codon 102 of the ELOVL5 protein (p.Ala102Thr). This variant is present in population databases (rs765124461, gnomAD 0.01%). This variant has not been reported in the literature in individuals affected with ELOVL5-related conditions. ClinVar contains an entry for this variant (Variation ID: 3627044). Invitae Evidence Modeling of protein sequence and biophysical properties (such as structural, functional, and spatial information, amino acid conservation, physicochemical variation, residue mobility, and thermodynamic stability) indicates that this missense variant is not expected to disrupt ELOVL5 protein function with a negative predictive value of 80%. In summary, the available evidence is currently insufficient to determine the role of this variant in disease. Therefore, it has been classified as a Variant of Uncertain Significance.

Department of Pathology and Laboratory Medicine, Sinai Health System
Classification: Uncertain significance for Spinocerebellar ataxia type 38. Last evaluated: 2021-07-30. Review status: criteria provided, single submitter. Criteria: ACMG Guidelines, 2015. Collection method: research. Allele origin: germline.

NM_021814.5(ELOVL5):c.304G>A (p.Ala102Thr)

Gene: ELOVL5 (ELOVL fatty acid elongase 5; minus strand). Cytogenetic location: 6p12.1.
Variant type: single nucleotide variant.
Coding change: c.304G>A on transcript NM_021814.5 (MANE Select); coding-DNA position 304, G replaced by A.
Protein change: p.Ala102Thr; replaces alanine 102 with threonine.
Molecular consequence: missense variant.
Genome position (GRCh38, 1-based): chr6:53,276,199, C>T on the plus strand (G>A on the coding strand, the complement: ELOVL5 is on the minus strand). VCF-style: chr6-53276199-C-T. GRCh37 (hg19) VCF-style: chr6-53140997-C-T.
Other names: c.385G>A, p.Ala129Thr (NM_001242828.2); c.304G>A, p.Ala102Thr (NM_001242830.2, NM_001301856.2); short protein forms A102T, A129T.
Identifiers: ClinVar variation 3627044 (VCV003627044.3).